The following is an entry in ClinVar:

NM_001271.4(CHD2):c.*10C>T

Gene: CHD2 (chromodomain helicase DNA binding protein 2; plus strand). Cytogenetic location: 15q26.1.
Variant type: single nucleotide variant.
Coding change: c.*10C>T on transcript NM_001271.4 (MANE Select); 10 bases downstream of the stop codon, C replaced by T.
Molecular consequence: 3 prime UTR variant.
Genome position (GRCh38, 1-based): chr15:93,024,715, C>T. VCF-style: chr15-93024715-C-T. GRCh37 (hg19) VCF-style: chr15-93567945-C-T.
Identifiers: ClinVar variation 388093 (VCV000388093.1), dbSNP rs374048872, ClinGen allele CA7748749.
Genomic context (GRCh38, chr15:93,024,715, plus strand): 5'-CTAGAACAGAAAAACAACCCAGATTATAACTGGAATGTTCGGAAAACATAAAGGACAGCT[C>T]GTAAAGGAGAGAGTAAGAGTCACCAAACACGTGGATATTTTTGGTCTGATCCTACAGTAG-3'

ClinVar aggregate classification (germline): Likely benign (1 of 4 stars; one submission).

Allele frequency attached by ClinVar (database versions not stated): gnomAD exomes 0.00004 and 0.00010; TOPMed 0.00004; ExAC 0.00005; gnomAD 0.00007 and 0.00008; ESP Exome Variant Server 0.00017.
gnomAD v4.1: 155 of 1,597,322 alleles (0.0097%); highest among the groups gnomAD compares: Non-Finnish European, 0.012%; no homozygotes.

Submission:

GeneDx
Classification: Likely benign. Last evaluated: 2016-08-02. Review status: criteria provided, single submitter. Criteria: GeneDx Variant Classification (06012015). Collection method: clinical testing. Allele origin: germline. Affected: yes.
Comment: This variant is considered likely benign or benign based on one or more of the following criteria: it is a conservative change, it occurs at a poorly conserved position in the protein, it is predicted to be benign by multiple in silico algorithms, and/or has population frequency not consistent with disease.